The following is an entry in ClinVar:

ClinVar aggregate classification (germline): Likely pathogenic (1 of 4 stars; one submission).

gnomAD v4.1: 2 of 1,612,656 alleles (0.00012%); highest among the groups gnomAD compares: Admixed American, 0.0017%; no homozygotes.

Submission:

Labcorp Genetics (formerly Invitae), Labcorp
Classification: Likely pathogenic. Last evaluated: 2024-04-17. Review status: criteria provided, single submitter. Criteria: Invitae Variant Classification Sherloc (09022015). Collection method: clinical testing. Allele origin: germline.
Comment: This sequence change affects a donor splice site in intron 4 of the TSPEAR gene. It is expected to disrupt RNA splicing. Variants that disrupt the donor or acceptor splice site typically lead to a loss of protein function (PMID: 16199547), and loss-of-function variants in TSPEAR are known to be pathogenic (PMID: 34042254). The frequency data for this variant in the population databases is considered unreliable, as metrics indicate poor data quality at this position in the gnomAD database. Disruption of this splice site has been observed in individual(s) with ectodermal dysplasia (PMID: 34042254). ClinVar contains an entry for this variant (Variation ID: 1345391). Variants that disrupt the consensus splice site are a relatively common cause of aberrant splicing (PMID: 17576681, 9536098). Algorithms developed to predict the effect of sequence changes on RNA splicing suggest that this variant may disrupt the consensus splice site. In summary, the currently available evidence indicates that the variant is pathogenic, but additional data are needed to prove that conclusively. Therefore, this variant has been classified as Likely Pathogenic.

Literature cited by the submitters: PubMed 16199547; PubMed 34042254; PubMed 17576681; PubMed 9536098.

NM_144991.3(TSPEAR):c.633+2C>A

Gene: TSPEAR (thrombospondin type laminin G domain and EAR repeats; minus strand). Cytogenetic location: 21q22.3.
Variant type: single nucleotide variant.
Coding change: c.633+2C>A on transcript NM_144991.3 (MANE Select); the canonical splice donor site of the intron after coding-DNA position 633, C replaced by A.
Molecular consequence: splice donor variant.
Genome position (GRCh38, 1-based): chr21:44,531,041, G>T on the plus strand (C>A on the coding strand, the complement: TSPEAR is on the minus strand). VCF-style: chr21-44531041-G-T. GRCh37 (hg19) VCF-style: chr21-45950924-G-T.
Other names: c.429+2C>A (NM_001272037.2).
Identifiers: ClinVar variation 1345391 (VCV001345391.6), dbSNP rs373504201, ClinGen allele CA410446160.